The following is an entry in ClinVar:

NM_178335.3(CCDC50):c.574G>C (p.Glu192Gln)

Gene: CCDC50 (coiled-coil domain containing 50; plus strand). Cytogenetic location: 3q28.
Variant type: single nucleotide variant.
Coding change: c.574G>C on transcript NM_178335.3 (MANE Select); coding-DNA position 574, G replaced by C.
Protein change: p.Glu192Gln; replaces glutamic acid 192 with glutamine.
Molecular consequence: missense variant. On other transcripts: intron variant (1).
Genome position (GRCh38, 1-based): chr3:191,375,187, G>C. VCF-style: chr3-191375187-G-C. GRCh37 (hg19) VCF-style: chr3-191092976-G-C.
Other names: c.449-4972G>C (NM_174908.4); short protein forms E192Q.
Identifiers: ClinVar variation 2506746 (VCV002506746.1), dbSNP rs755010827, ClinGen allele CA2755284.

ClinVar aggregate classification (germline): Uncertain significance (1 of 4 stars; one submission).

Allele frequency attached by ClinVar (database versions not stated): TOPMed below 0.00001; gnomAD 0.00001; gnomAD exomes 0.00001; ExAC 0.00002.
gnomAD v4.1: 10 of 1,613,654 alleles (0.00062%); highest among the groups gnomAD compares: East Asian, 0.022%; no homozygotes.

Submission:

GeneDx
Classification: Uncertain significance. Last evaluated: 2022-12-20. Review status: criteria provided, single submitter. Criteria: GeneDx Variant Classification Process June 2021. Collection method: clinical testing. Allele origin: germline. Affected: yes.
Comment: In silico analysis supports that this missense variant does not alter protein structure/function; Has not been previously published as pathogenic or benign to our knowledge